The following is an entry in ClinVar:

ClinVar aggregate classification (germline): Uncertain significance (1 of 4 stars; one submission).

Conditions:
Charcot-Marie-Tooth Neuropathy X. Identifiers: MedGen CN118851.

Submission:

Labcorp Genetics (formerly Invitae), Labcorp
Classification: Uncertain significance for Charcot-Marie-Tooth Neuropathy X. Last evaluated: 2022-11-01. Review status: criteria provided, single submitter. Criteria: Invitae Variant Classification Sherloc (09022015). Collection method: clinical testing. Allele origin: germline.
Comment: This variant results in a copy number gain of the genomic region encompassing exon(s) 1 of the PRPS1 gene. This region includes the initiator codon of the gene. This copy number gain extends beyond the assayed region for this gene and therefore may encompass additional genes. As the precise location of this event is unknown, it may be in tandem or it may be located elsewhere in the genome. This variant has not been reported in the literature in individuals affected with PRPS1-related conditions. Experimental studies and prediction algorithms are not available or were not evaluated, and the functional significance of this variant is currently unknown. In summary, the available evidence is currently insufficient to determine the role of this variant in disease. Therefore, it has been classified as a Variant of Uncertain Significance.

NC_000023.10:g.(?_106871859)_(106872000_?)dup

Gene: PRPS1 (phosphoribosyl pyrophosphate synthetase 1; plus strand). Cytogenetic location: Xq22.3.
Variant type: Duplication.
Identifiers: ClinVar variation 2424531 (VCV002424531.3).